The following is an entry in ClinVar:

ClinVar aggregate classification (germline): Pathogenic/Likely pathogenic. Review status: no assertion criteria provided (0 of 4 stars). 2 submissions from 2 submitters: Pathogenic (1); Likely pathogenic (1). Last evaluated 2006-05-01.

Conditions:
Neuronal ceroid lipofuscinosis 8 (CLN8). Also called: CLN8-Related Neuronal Ceroid-Lipofuscinosis. Identifiers: Orphanet 168491, Orphanet 228354, Orphanet 79264, MedGen C1838570, MONDO:0010830, OMIM 600143.

Submissions (2):

OMIM
Classification: Pathogenic for CEROID LIPOFUSCINOSIS, NEURONAL, 8. Last evaluated: 2006-05-01. Review status: no assertion criteria provided. Collection method: literature only. Allele origin: germline.

Juha Muilu Group; Institute for Molecular Medicine Finland (FIMM)
Classification: Likely pathogenic for Ceroid lipofuscinosis neuronal 8. Review status: no assertion criteria provided. Collection method: not provided. Allele origin: unknown.
Comment: FinDis database variant: This variant was not found or characterized by our laboratory, data were collected from public sources: see reference
ClinVar note: Converted during submission from probable-pathogenic to Likely pathogenic.

Literature cited by the submitters: PubMed 16570191 (cited by OMIM).

NM_018941.4(CLN8):c.66del (p.Ile23fs)

Gene: CLN8 (CLN8 transmembrane ER and ERGIC protein; plus strand). Cytogenetic location: 8p23.3.
Variant type: Deletion.
Coding change: c.66del on transcript NM_018941.4 (MANE Select); coding-DNA position 66, one base deleted (G; older notation c.66delG).
Protein change: p.Ile23fs; shifts the reading frame from isoleucine 23.
Molecular consequence: frameshift variant.
Genome position (GRCh38, 1-based): chr8:1,771,120, G deleted; the last of 5 consecutive G bases (chr8:1,771,116-1,771,120); deleting any one gives the same sequence. VCF-style (leftmost placement, unchanged base first): chr8-1771115-TG-T. GRCh37 (hg19) VCF-style: chr8-1719281-TG-T.
Other names: c.66delG (NM_018941.3); short protein forms I23fs.
Identifiers: ClinVar variation 56718 (VCV000056718.3), dbSNP rs34238807, ClinGen allele CA264190.